The following is an entry in ClinVar:

NM_001039213.4(CEACAM16):c.234C>T (p.Gly78=)

Genes: CEACAM16 (CEA cell adhesion molecule 16, tectorial membrane component; plus strand), CEACAM16-AS1 (CEACAM16, CEACAM19 and PVR antisense RNA 1; minus strand). Cytogenetic location: 19q13.32.
Variant type: single nucleotide variant.
Coding change: c.234C>T on transcript NM_001039213.4 (MANE Select); coding-DNA position 234, C replaced by T.
Protein change: p.Gly78=; no amino-acid change (glycine 78 retained).
Molecular consequence: synonymous variant.
Genome position (GRCh38, 1-based): chr19:44,703,545, C>T. VCF-style: chr19-44703545-C-T. GRCh37 (hg19) VCF-style: chr19-45206815-C-T.
Identifiers: ClinVar variation 504817 (VCV000504817.25), dbSNP rs73568059, ClinGen allele CA9502986.
Genomic context (GRCh38, chr19:44,703,545, plus strand): 5'-ACTCAGCGTGTCATACCTGGTGGCCAGCTACATCGTGAGCACAGGCGATGAGACTCCTGG[C>T]CCGGCCCACACGGGGCGGGAGGCTGTGCGCCCCGATGGCAGCCTGGACATCCAGGGCATC-3'
Protein context (NP_001034302.2, residues 68-88): YIVSTGDETP[Gly78=]PAHTGREAVR

ClinVar aggregate classification (germline): Benign/Likely benign. Review status: criteria provided, multiple submitters, no conflicts (2 of 4 stars). 5 submissions from 5 submitters: Benign (4); Likely benign (1). Last evaluated 2025-07-11.

Conditions:
Autosomal dominant nonsyndromic hearing loss 4B. Identifiers: Orphanet 90635, MedGen C3281297, MONDO:0013823, OMIM 614614.
Hearing loss, autosomal recessive 113. Also called: Deafness, autosomal recessive 113. Identifiers: MedGen C5193079, MONDO:0032732, OMIM 618410.

Allele frequency attached by ClinVar (database versions not stated): ExAC 0.00102; 1000 Genomes Project 30x 0.00219; 1000 Genomes Project 0.00220; gnomAD 0.00288 and 0.00319; TOPMed 0.00358; ESP Exome Variant Server 0.00403.
gnomAD v4.1: 833 of 1,613,374 alleles (0.052%); highest among the groups gnomAD compares: African/African-American, 1%; 4 homozygotes.

Submissions (5):

Labcorp Genetics (formerly Invitae), Labcorp
Classification: Benign. Last evaluated: 2025-07-11. Review status: criteria provided, single submitter. Criteria: Invitae Variant Classification Sherloc (09022015). Collection method: clinical testing. Allele origin: germline.

ARUP Laboratories, Molecular Genetics and Genomics, ARUP Laboratories
Classification: Benign. Last evaluated: 2023-09-21. Review status: criteria provided, single submitter. Criteria: ARUP Molecular Germline Variant Investigation Process 2024. Collection method: clinical testing. Allele origin: germline.

Fulgent Genetics
Classification: Likely benign for Autosomal dominant nonsyndromic hearing loss 4B; Hearing loss, autosomal recessive 113. Last evaluated: 2021-09-27. Review status: criteria provided, single submitter. Criteria: ACMG Guidelines, 2015. Collection method: clinical testing. Allele origin: unknown.

GeneDx
Classification: Benign. Last evaluated: 2019-09-19. Review status: criteria provided, single submitter. Criteria: GeneDx Variant Classification Process June 2021. Collection method: clinical testing. Allele origin: germline. Affected: yes.

Laboratory for Molecular Medicine, Mass General Brigham Personalized Medicine
Classification: Benign. Last evaluated: 2014-11-24. Review status: criteria provided, single submitter. Criteria: LMM Criteria. Collection method: clinical testing. Allele origin: germline. Observed: 3 variant alleles.
Comment: Gly78Gly in exon 3 of CEACAM16: This variant is not expected to have clinical si gnificance because it does not alter an amino acid residue and is not located wi thin the splice consensus sequence. It has been identified in 1.2% (50/4088) of African American chromosomes from a broad population by the NHLBI Exome Sequenci ng Project (dbSNP rs73568059).